The following is an entry in ClinVar:

ClinVar aggregate classification (germline): Uncertain significance (1 of 4 stars; one submission).

Submission:

Labcorp Genetics (formerly Invitae), Labcorp
Classification: Uncertain significance. Last evaluated: 2025-04-12. Review status: criteria provided, single submitter. Criteria: Invitae Variant Classification Sherloc (09022015). Collection method: clinical testing. Allele origin: germline.
Comment: This sequence change replaces serine, which is neutral and polar, with phenylalanine, which is neutral and non-polar, at codon 319 of the LHX4 protein (p.Ser319Phe). This variant is not present in population databases (gnomAD no frequency). This variant has not been reported in the literature in individuals affected with LHX4-related conditions. An algorithm developed to predict the effect of missense changes on protein structure and function (PolyPhen-2) suggests that this variant is likely to be disruptive. In summary, the available evidence is currently insufficient to determine the role of this variant in disease. Therefore, it has been classified as a Variant of Uncertain Significance.

NM_033343.4(LHX4):c.956C>T (p.Ser319Phe)

Genes: ACBD6 (acyl-CoA binding domain containing 6; minus strand), LHX4 (LIM homeobox 4; plus strand), LHX4-AS1 (LHX4 antisense RNA 1; minus strand). Cytogenetic location: 1q25.2.
Variant type: single nucleotide variant.
Coding change: c.956C>T on transcript NM_033343.4 (MANE Select); coding-DNA position 956, C replaced by T.
Protein change: p.Ser319Phe; replaces serine 319 with phenylalanine.
Molecular consequence: missense variant.
Genome position (GRCh38, 1-based): chr1:180,274,362, C>T. VCF-style: chr1-180274362-C-T. GRCh37 (hg19) VCF-style: chr1-180243497-C-T.
Other names: short protein forms S319F.
Identifiers: ClinVar variation 4697947 (VCV004697947.1).